The following is an entry in ClinVar:

NM_015999.6(ADIPOR1):c.2T>C (p.Met1Thr)

Gene: ADIPOR1 (adiponectin receptor 1; minus strand). Cytogenetic location: 1q32.1.
Variant type: single nucleotide variant.
Coding change: c.2T>C on transcript NM_015999.6 (MANE Select); coding-DNA position 2, T replaced by C.
Protein change: p.Met1Thr; changes the start codon (methionine 1).
Molecular consequence: missense variant, initiator codon variant.
Genome position (GRCh38, 1-based): chr1:202,951,069, A>G on the plus strand (T>C on the coding strand, the complement: ADIPOR1 is on the minus strand). VCF-style: chr1-202951069-A-G. GRCh37 (hg19) VCF-style: chr1-202920197-A-G.
Other names: c.2T>C, p.Met1Thr (NM_001127687.1, NM_001290553.2, NM_001290557.1 and 1 more transcripts); short protein forms M1T.
Identifiers: ClinVar variation 2019568 (VCV002019568.5), dbSNP rs1429036922, ClinGen allele CA344284883.

ClinVar aggregate classification (germline): Uncertain significance (1 of 4 stars; one submission).

Allele frequency attached by ClinVar (database versions not stated): TOPMed below 0.00001.

Submission:

Labcorp Genetics (formerly Invitae), Labcorp
Classification: Uncertain significance. Last evaluated: 2024-11-05. Review status: criteria provided, single submitter. Criteria: Invitae Variant Classification Sherloc (09022015). Collection method: clinical testing. Allele origin: germline.
Comment: This sequence change affects the initiator methionine of the ADIPOR1 mRNA. The next in-frame methionine is located at codon 77. This variant is not present in population databases (gnomAD no frequency). This variant has not been reported in the literature in individuals affected with ADIPOR1-related conditions. ClinVar contains an entry for this variant (Variation ID: 2019568). Experimental studies and prediction algorithms are not available or were not evaluated, and the functional significance of this variant is currently unknown. In summary, the available evidence is currently insufficient to determine the role of this variant in disease. Therefore, it has been classified as a Variant of Uncertain Significance.